The following is an entry in ClinVar:

NM_021871.4(FGA):c.1541C>G (p.Pro514Arg)

Gene: FGA (fibrinogen alpha chain; minus strand). Cytogenetic location: 4q31.3.
Variant type: single nucleotide variant.
Coding change: c.1541C>G on transcript NM_021871.4 (MANE Select); coding-DNA position 1541, C replaced by G.
Protein change: p.Pro514Arg; replaces proline 514 with arginine.
Molecular consequence: missense variant.
Genome position (GRCh38, 1-based): chr4:154,585,888, G>C on the plus strand (C>G on the coding strand, the complement: FGA is on the minus strand). VCF-style: chr4-154585888-G-C. GRCh37 (hg19) VCF-style: chr4-155507040-G-C.
Other names: c.1541C>G, p.Pro514Arg (NM_000508.5); short protein forms P514R.
Identifiers: ClinVar variation 3339804 (VCV003339804.1).

ClinVar aggregate classification (germline): Uncertain significance (1 of 4 stars; one submission).

Submission:

Women's Health and Genetics/Laboratory Corporation of America, LabCorp
Classification: Uncertain significance. Last evaluated: 2024-06-25. Review status: criteria provided, single submitter. Criteria: LabCorp Variant Classification Summary - May 2015. Collection method: clinical testing. Allele origin: germline.
Comment: Variant summary: FGA c.1541C>G (p.Pro514Arg) results in a non-conservative amino acid change in the encoded protein sequence. Four of five in-silico tools predict a benign effect of the variant on protein function. The variant allele was found at a frequency of 4e-06 in 251078 control chromosomes. The available data on variant occurrences in the general population are insufficient to allow any conclusion about variant significance. To our knowledge, no occurrence of c.1541C>G in individuals affected with Dysfibrinogenemia, Congenital and no experimental evidence demonstrating its impact on protein function have been reported. No submitters have cited clinical-significance assessments for this variant to ClinVar. Based on the evidence outlined above, the variant was classified as uncertain significance.